The following is an entry in ClinVar:

NM_001457.4(FLNB):c.7466T>C (p.Leu2489Pro)

Genes: FLNB (filamin B; plus strand), FLNB-AS1 (FLNB antisense RNA 1; minus strand). Cytogenetic location: 3p14.3.
Variant type: single nucleotide variant.
Coding change: c.7466T>C on transcript NM_001457.4 (MANE Select); coding-DNA position 7466, T replaced by C.
Protein change: p.Leu2489Pro; replaces leucine 2489 with proline.
Molecular consequence: missense variant.
Genome position (GRCh38, 1-based): chr3:58,169,638, T>C. VCF-style: chr3-58169638-T-C. GRCh37 (hg19) VCF-style: chr3-58155365-T-C.
Other names: c.7559T>C, p.Leu2520Pro (NM_001164317.2); c.7433T>C, p.Leu2478Pro (NM_001164318.2); c.7394T>C, p.Leu2465Pro (NM_001164319.2); short protein forms L2465P, L2478P, L2520P, L2489P.
Identifiers: ClinVar variation 3635758 (VCV003635758.2).

ClinVar aggregate classification (germline): Uncertain significance (1 of 4 stars; one submission).

Submission:

Labcorp Genetics (formerly Invitae), Labcorp
Classification: Uncertain significance. Last evaluated: 2024-11-21. Review status: criteria provided, single submitter. Criteria: Invitae Variant Classification Sherloc (09022015). Collection method: clinical testing. Allele origin: germline.
Comment: This sequence change replaces leucine, which is neutral and non-polar, with proline, which is neutral and non-polar, at codon 2489 of the FLNB protein (p.Leu2489Pro). This variant is not present in population databases (gnomAD no frequency). This variant has not been reported in the literature in individuals affected with FLNB-related conditions. Invitae Evidence Modeling of protein sequence and biophysical properties (such as structural, functional, and spatial information, amino acid conservation, physicochemical variation, residue mobility, and thermodynamic stability) indicates that this missense variant is not expected to disrupt FLNB protein function with a negative predictive value of 95%. In summary, the available evidence is currently insufficient to determine the role of this variant in disease. Therefore, it has been classified as a Variant of Uncertain Significance.